The following is an entry in ClinVar:

NM_001046.3(SLC12A2):c.1576A>G (p.Ile526Val)

Gene: SLC12A2 (solute carrier family 12 member 2; plus strand). Cytogenetic location: 5q23.3.
Variant type: single nucleotide variant.
Coding change: c.1576A>G on transcript NM_001046.3 (MANE Select); coding-DNA position 1576, A replaced by G.
Protein change: p.Ile526Val; replaces isoleucine 526 with valine.
Molecular consequence: missense variant. On other transcripts: non-coding transcript variant (1).
Genome position (GRCh38, 1-based): chr5:128,138,863, A>G. VCF-style: chr5-128138863-A-G. GRCh37 (hg19) VCF-style: chr5-127474555-A-G.
Other names: c.1576A>G (NM_001046.2); c.1576A>G, p.Ile526Val (NM_001256461.2); short protein forms I526V.
Identifiers: ClinVar variation 2055517 (VCV002055517.5), dbSNP rs768646451, ClinGen allele CA3393149.

ClinVar aggregate classification (germline): Uncertain significance. Review status: criteria provided, multiple submitters, no conflicts (2 of 4 stars). 2 submissions from 2 submitters: Uncertain significance (2). Last evaluated 2025-12-02.

Conditions:
Inborn genetic diseases. Identifiers: MedGen C0950123, MeSH D030342.

Allele frequency attached by ClinVar (database versions not stated): ExAC 0.00002; gnomAD 0.00001; gnomAD exomes 0.00001; TOPMed 0.00001.
gnomAD v4.1: 21 of 1,613,230 alleles (0.0013%); highest among the groups gnomAD compares: Non-Finnish European, 0.0014%; no homozygotes.

Submissions (2):

Ambry Genetics
Classification: Uncertain significance for Inborn genetic diseases. Last evaluated: 2025-12-02. Review status: criteria provided, single submitter. Criteria: Ambry Variant Classification Scheme 2023. Collection method: clinical testing. Allele origin: germline.

Labcorp Genetics (formerly Invitae), Labcorp
Classification: Uncertain significance. Last evaluated: 2022-04-20. Review status: criteria provided, single submitter. Criteria: Invitae Variant Classification Sherloc (09022015). Collection method: clinical testing. Allele origin: germline.
Comment: In summary, the available evidence is currently insufficient to determine the role of this variant in disease. Therefore, it has been classified as a Variant of Uncertain Significance. Advanced modeling of protein sequence and biophysical properties (such as structural, functional, and spatial information, amino acid conservation, physicochemical variation, residue mobility, and thermodynamic stability) performed at Invitae indicates that this missense variant is not expected to disrupt SLC12A2 protein function. This variant has not been reported in the literature in individuals affected with SLC12A2-related conditions. This variant is present in population databases (rs768646451, gnomAD 0.004%). This sequence change replaces isoleucine, which is neutral and non-polar, with valine, which is neutral and non-polar, at codon 526 of the SLC12A2 protein (p.Ile526Val).